The following is an entry in ClinVar:

ClinVar aggregate classification (germline): Uncertain significance (1 of 4 stars; one submission).

Conditions:
Cardiovascular phenotype. Identifiers: MedGen CN230736.

Submission:

Ambry Genetics
Classification: Uncertain significance for Cardiovascular phenotype. Last evaluated: 2025-09-17. Review status: criteria provided, single submitter. Criteria: Ambry Variant Classification Scheme 2023. Collection method: clinical testing. Allele origin: germline.
Comment: The p.G3083S variant (also known as c.9247G>A), located in coding exon 26 of the TNXB gene, results from a G to A substitution at nucleotide position 9247. The glycine at codon 3083 is replaced by serine, an amino acid with similar properties. This amino acid position is conserved. In addition, this alteration is predicted to be tolerated by in silico analysis. Based on the available evidence, the clinical significance of this variant remains unclear.

NM_001365276.2(TNXB):c.9253G>A (p.Gly3085Ser)

Gene: TNXB (tenascin XB; minus strand). Cytogenetic location: 6p21.33.
Variant type: single nucleotide variant.
Coding change: c.9253G>A on transcript NM_001365276.2 (MANE Select); coding-DNA position 9253, G replaced by A.
Protein change: p.Gly3085Ser; replaces glycine 3085 with serine.
Molecular consequence: missense variant.
Genome position (GRCh38, 1-based): chr6:32,050,184, C>T on the plus strand (G>A on the coding strand, the complement: TNXB is on the minus strand). VCF-style: chr6-32050184-C-T. GRCh37 (hg19) VCF-style: chr6-32017961-C-T.
Other names: c.9994G>A, p.Gly3332Ser (NM_001428335.1); c.9247G>A, p.Gly3083Ser (NM_019105.8); short protein forms G3332S, G3085S, G3083S.
Identifiers: ClinVar variation 4615138 (VCV004615138.1).